The following is an entry in ClinVar:

NM_001287491.2(TET3):c.70C>T (p.Gln24Ter)

Gene: TET3 (tet methylcytosine dioxygenase 3; plus strand). Cytogenetic location: 2p13.1.
Variant type: single nucleotide variant.
Coding change: c.70C>T on transcript NM_001287491.2 (MANE Select); coding-DNA position 70, C replaced by T.
Protein change: p.Gln24Ter; replaces glutamine 24 with a stop codon.
Molecular consequence: nonsense.
Genome position (GRCh38, 1-based): chr2:73,986,473, C>T. VCF-style: chr2-73986473-C-T. GRCh37 (hg19) VCF-style: chr2-74213600-C-T.
Other names: short protein forms Q24*.
Identifiers: ClinVar variation 3376267 (VCV003376267.1).
Genomic context (GRCh38, chr2:73,986,473, plus strand): 5'-TTTCAGGTGCCCCTGGCCGTCCAGCCGGACCTGCCAGGCCTTTATGACTTCCCTCAGCGC[C>T]AGGTGATGGTAGGGAGCTTCCCGGGGTCTGGGCTCTCCATGGCTGGGAGTGAGTCCCAAC-3'

ClinVar aggregate classification (germline): Likely pathogenic (1 of 4 stars; one submission).

Conditions:
Beck-Fahrner syndrome (BEFAHRS). Identifiers: Orphanet 684216, MedGen C5394097, MONDO:0032922, OMIM 618798.

Submission:

Pittsburgh Clinical Genomics Laboratory, University of Pittsburgh Medical Center
Classification: Likely pathogenic for Beck-Fahrner syndrome. Last evaluated: 2023-08-22. Review status: criteria provided, single submitter. Criteria: ACMG Guidelines, 2015. Collection method: clinical testing. Allele origin: germline. Inheritance: Autosomal unknown. Affected: yes.
Comment: This sequence variant is a single nucleotide substitution (C>T) at coding position 70 of the TET3 gene that generates a premature stop codon at residue 24 of the TET3 protein. This variant is predicted to generate a non-functiol allele through either the expression of a truncated protein or a loss of TET3 expression due to nonsense mediated decay. This is a novel variant that has not been previously reported in databases of clinically annotated variants (ClinVar) or observed in the literature in individuals with TET3-related disease. This variant is absent from control population datasets (gnomAD database 0 of ~31,000 alleles). Because loss of function alleles in TET3 are known to be pathogenic (PMID 31928709), we consider this variant to be likely pathogenic. ACMG Criteria: PM2, PVS1